The following is an entry in ClinVar:

ClinVar aggregate classification (germline): Conflicting classifications of pathogenicity. Review status: criteria provided, conflicting classifications (1 of 4 stars). 3 submissions from 3 submitters: Uncertain significance (1); Likely benign (2). Last evaluated 2023-04-17.

Conditions:
Wolfram syndrome 1 (WFS1). Identifiers: Orphanet 3463, MedGen C4551693, MONDO:0009101, OMIM 222300.

Allele frequency attached by ClinVar (database versions not stated): ExAC 0.00001; gnomAD exomes 0.00001 and 0.00004; gnomAD 0.00003; TOPMed 0.00004.
gnomAD v4.1: 60 of 1,614,012 alleles (0.0037%); highest among the groups gnomAD compares: East Asian, 0.0089%; no homozygotes.

Submissions (3):

Labcorp Genetics (formerly Invitae), Labcorp
Classification: Uncertain significance. Last evaluated: 2023-04-17. Review status: criteria provided, single submitter. Criteria: Invitae Variant Classification Sherloc (09022015). Collection method: clinical testing. Allele origin: germline.
Comment: In summary, the available evidence is currently insufficient to determine the role of this variant in disease. Therefore, it has been classified as a Variant of Uncertain Significance. Advanced modeling of protein sequence and biophysical properties (such as structural, functional, and spatial information, amino acid conservation, physicochemical variation, residue mobility, and thermodynamic stability) performed at Invitae indicates that this missense variant is not expected to disrupt WFS1 protein function. ClinVar contains an entry for this variant (Variation ID: 505398). This variant has not been reported in the literature in individuals affected with WFS1-related conditions. This variant is present in population databases (rs760280308, gnomAD 0.003%). This sequence change replaces threonine, which is neutral and polar, with methionine, which is neutral and non-polar, at codon 590 of the WFS1 protein (p.Thr590Met).

Laboratory for Molecular Medicine, Mass General Brigham Personalized Medicine
Classification: Likely benign. Last evaluated: 2016-11-13. Review status: criteria provided, single submitter. Criteria: LMM Criteria. Collection method: clinical testing. Allele origin: germline. Observed: 1 variant allele.
Comment: p.Thr590Met in exon 8 of WFS1: This variant is not expected to have clinical sig nificance due to a lack of conservation across species, including mammals. Of no te, 6 mammals have a methionine (Met) at this position despite high nearby amino acid conservation. In addition, computational prediction tools do not suggest a high likelihood of impact to the protein. It has been identified in 1/16512 Sou th Asian chromosomes by the Exome Aggregation Consortium (ExAC; dbSNP rs760280308).

Clinical Genomics, Uppaluri K&H Personalized Medicine Clinic
Classification: Likely benign for Wolfram syndrome 1. Review status: criteria provided, single submitter. Criteria: K & H Uppaluri Personalized Medicine Clinic Variant Classification & Assertion Criteria_Updated V.1. Collection method: research. Allele origin: unknown. Inheritance: Autosomal recessive inheritance.
Comment: Potent mutations in WFS1 gene are associated with Wolfram's syndrome, an autosomal recessive condition, which cause diabetes mellitus, diabetes insipidus, deafness and optic atrophy.However no sufficient evidence is found to ascertain the role of this particular variant rs760280308 in Wolfram's syndrome yet.

Literature cited by the submitters: PubMed 17603484 (cited by Clinical Genomics, Uppaluri K&H Personalized Medicine Clinic); PubMed 20301750 (cited by Clinical Genomics, Uppaluri K&H Personalized Medicine Clinic); PubMed 18060660 (cited by Clinical Genomics, Uppaluri K&H Personalized Medicine Clinic); PubMed 12955714 (cited by Clinical Genomics, Uppaluri K&H Personalized Medicine Clinic); PubMed 33879153 (cited by Clinical Genomics, Uppaluri K&H Personalized Medicine Clinic); PubMed 20738327 (cited by Clinical Genomics, Uppaluri K&H Personalized Medicine Clinic).

NM_006005.3(WFS1):c.1769C>T (p.Thr590Met)

Gene: WFS1 (wolframin ER transmembrane glycoprotein; plus strand). Cytogenetic location: 4p16.1.
Variant type: single nucleotide variant.
Coding change: c.1769C>T on transcript NM_006005.3 (MANE Select); coding-DNA position 1769, C replaced by T.
Protein change: p.Thr590Met; replaces threonine 590 with methionine.
Molecular consequence: missense variant.
Genome position (GRCh38, 1-based): chr4:6,301,564, C>T. VCF-style: chr4-6301564-C-T. GRCh37 (hg19) VCF-style: chr4-6303291-C-T.
Other names: c.1769C>T, p.Thr590Met (NM_001145853.1); short protein forms T590M.
Identifiers: ClinVar variation 505398 (VCV000505398.10), dbSNP rs760280308, ClinGen allele CA2839483.
Genomic context (GRCh38, chr4:6,301,564, plus strand): 5'-TCCCCATCCTGGTGGCCGGCCTGGCCCTGGTGGGCGTGCTGCAGTTCGCCCGGTGGTTCA[C>T]GTCTCTGGAGCTCACCAAGATCGCAGTCACCGTGGCGGTCTGTAGTGTGCCCCTGCTGTT-3'
Protein context (NP_005996.2, residues 580-600): VGVLQFARWF[Thr590Met]SLELTKIAVT